The following is an entry in ClinVar:

NM_000179.3(MSH6):c.790G>T (p.Glu264Ter)

Gene: MSH6 (mutS homolog 6; plus strand). Cytogenetic location: 2p16.3.
Variant type: single nucleotide variant.
Coding change: c.790G>T on transcript NM_000179.3 (MANE Select); coding-DNA position 790, G replaced by T.
Protein change: p.Glu264Ter; replaces glutamic acid 264 with a stop codon.
Molecular consequence: nonsense. On other transcripts: 5 prime UTR variant (9), non-coding transcript variant (4), intron variant (1).
Genome position (GRCh38, 1-based): chr2:47,798,773, G>T. VCF-style: chr2-47798773-G-T. GRCh37 (hg19) VCF-style: chr2-48025912-G-T.
Other names: c.400G>T, p.Glu134Ter (NM_001281492.2); c.-117G>T (NM_001281493.2, NM_001281494.2, NM_001406811.1 and 6 more transcripts); c.886G>T, p.Glu296Ter (NM_001406795.1, NM_001406802.1); c.790G>T, p.Glu264Ter (NM_001406796.1, NM_001406798.1, NM_001406800.1 and 4 more transcripts); c.493G>T, p.Glu165Ter (NM_001406797.1, NM_001406801.1, NM_001406805.1 and 10 more transcripts); c.265G>T, p.Glu89Ter (NM_001406799.1, NM_001406806.1, NM_001406807.1); c.712G>T, p.Glu238Ter (NM_001406804.1); c.796G>T, p.Glu266Ter (NM_001406813.1); and 2 more; short protein forms E134*, E165*, E208*, E238*, E264*, E266*, E296*, E89*.
Identifiers: ClinVar variation 3230592 (VCV003230592.1), dbSNP rs2104297840, ClinGen allele CA346740283.

ClinVar aggregate classification (germline): Pathogenic (1 of 4 stars; one submission).

Conditions:
Hereditary cancer-predisposing syndrome. Also called: Neoplastic Syndromes, Hereditary; Tumor predisposition; Hereditary neoplastic syndrome; Hereditary Cancer Syndrome. Identifiers: Orphanet 140162, MedGen C0027672, MeSH D009386, MONDO:0015356.

Submission:

Ambry Genetics
Classification: Pathogenic for Hereditary cancer-predisposing syndrome. Last evaluated: 2023-11-20. Review status: criteria provided, single submitter. Criteria: Ambry Variant Classification Scheme 2023. Collection method: clinical testing. Allele origin: germline.
Comment: The p.E264* pathogenic mutation (also known as c.790G>T), located in coding exon 4 of the MSH6 gene, results from a G to T substitution at nucleotide position 790. This changes the amino acid from a glutamic acid to a stop codon within coding exon 4. This variant is considered to be rare based on population cohorts in the Genome Aggregation Database (gnomAD). This alteration is expected to result in loss of function by premature protein truncation or nonsense-mediated mRNA decay. As such, this alteration is interpreted as a disease-causing mutation.